The following is an entry in ClinVar:

ClinVar aggregate classification (germline): Benign/Likely benign. Review status: criteria provided, multiple submitters, no conflicts (2 of 4 stars). 5 submissions from 5 submitters: Benign (2); Likely benign (2). 1 of the submissions does not count toward it. Last evaluated 2026-04-30.

Conditions:
Colorectal cancer, hereditary nonpolyposis, type 7. Identifiers: Orphanet 144, MedGen C1858380, MONDO:0013725, OMIM 614385.
MLH3-related disorder. Also called: MLH3-related condition.

Allele frequency attached by ClinVar (database versions not stated): gnomAD 0.00011; TOPMed 0.00012.
gnomAD v4.1: 120 of 1,613,998 alleles (0.0074%); highest among the groups gnomAD compares: Admixed American, 0.11%; no homozygotes.

Submissions (5):

Myriad Genetics, Inc.
Classification: Benign for Colorectal cancer, hereditary nonpolyposis, type 7. Last evaluated: 2026-04-30. Review status: criteria provided, single submitter. Criteria: Myriad Autosomal Dominant, Autosomal Recessive and X-Linked Classification Criteria (2023). Collection method: clinical testing. Allele origin: unknown.
Comment: This variant is considered benign. This variant is a silent/synonymous amino acid change and it is not expected to impact splicing.

Labcorp Genetics (formerly Invitae), Labcorp
Classification: Benign for Colorectal cancer, hereditary nonpolyposis, type 7. Last evaluated: 2025-12-09. Review status: criteria provided, single submitter. Criteria: Invitae Variant Classification Sherloc (09022015). Collection method: clinical testing. Allele origin: germline.

Blueprint Genetics
Classification: Likely benign. Last evaluated: 2024-04-04. Review status: criteria provided, single submitter. Criteria: ACMG Guidelines, 2015. Collection method: clinical testing. Allele origin: germline.

Ambry Genetics
Classification: Likely benign. Last evaluated: 2020-09-09. Review status: criteria provided, single submitter. Criteria: Ambry Variant Classification Scheme 2023. Collection method: clinical testing. Allele origin: germline.

PreventionGenetics, part of Exact Sciences
Classification: Likely benign for MLH3-related condition. Last evaluated: 2022-04-25. Review status: no assertion criteria provided. Collection method: clinical testing. Allele origin: germline. Not counted in ClinVar's aggregate classification.
Comment: This variant is classified as likely benign based on ACMG/AMP sequence variant interpretation guidelines (Richards et al. 2015 PMID: 25741868, with internal and published modifications).

NM_001040108.2(MLH3):c.1500G>A (p.Pro500=)

Gene: MLH3 (mutL homolog 3; minus strand). Cytogenetic location: 14q24.3.
Variant type: single nucleotide variant.
Coding change: c.1500G>A on transcript NM_001040108.2 (MANE Select); coding-DNA position 1500, G replaced by A.
Protein change: p.Pro500=; no amino-acid change (proline 500 retained).
Molecular consequence: synonymous variant.
Genome position (GRCh38, 1-based): chr14:75,048,156, C>T on the plus strand (G>A on the coding strand, the complement: MLH3 is on the minus strand). VCF-style: chr14-75048156-C-T. GRCh37 (hg19) VCF-style: chr14-75514859-C-T.
Other names: c.1500G>A, p.Pro500= (NM_014381.3).
Identifiers: ClinVar variation 416453 (VCV000416453.18), dbSNP rs554385170, ClinGen allele CA7275858.
Genomic context (GRCh38, chr14:75,048,156, plus strand): 5'-CTCCTCAAAGTGACATGGTGTCTGAAAAGGGCTTAAAAACATTTCTAAACTGGTTCCACA[C>T]GGATTTTCTAAAGAGCTATGTTCCAGGAAAGATTTTTTATGTTTCTCATTTTCTCCAGCT-3'
Protein context (NP_001035197.1, residues 490-510): SFLEHSSLEN[Pro500=]CGTSLEMFLS